The following is an entry in ClinVar:

NM_006514.4(SCN10A):c.871T>A (p.Ser291Thr)

Gene: SCN10A (sodium voltage-gated channel alpha subunit 10; minus strand). Cytogenetic location: 3p22.2.
Variant type: single nucleotide variant.
Coding change: c.871T>A on transcript NM_006514.4 (MANE Select); coding-DNA position 871, T replaced by A.
Protein change: p.Ser291Thr; replaces serine 291 with threonine.
Molecular consequence: missense variant.
Genome position (GRCh38, 1-based): chr3:38,761,204, A>T on the plus strand (T>A on the coding strand, the complement: SCN10A is on the minus strand). VCF-style: chr3-38761204-A-T. GRCh37 (hg19) VCF-style: chr3-38802695-A-T.
Other names: c.871T>A, p.Ser291Thr (NM_001293306.2, NM_001293307.2); short protein forms S291T.
Identifiers: ClinVar variation 3793149 (VCV003793149.1).

ClinVar aggregate classification (germline): Uncertain significance (1 of 4 stars; one submission).

Conditions:
Cardiovascular phenotype. Identifiers: MedGen CN230736.

gnomAD v4.1: 1 of 1,605,830 alleles (0.000062%); no homozygotes.

Submission:

Ambry Genetics
Classification: Uncertain significance for Cardiovascular phenotype. Last evaluated: 2025-02-06. Review status: criteria provided, single submitter. Criteria: Ambry Variant Classification Scheme 2023. Collection method: clinical testing. Allele origin: germline.
Comment: The p.S291T variant (also known as c.871T>A), located in coding exon 6 of the SCN10A gene, results from a T to A substitution at nucleotide position 871. The serine at codon 291 is replaced by threonine, an amino acid with similar properties. This amino acid position is conserved. In addition, this alteration is predicted to be tolerated by in silico analysis. Based on the available evidence, the clinical significance of this variant remains unclear.